The following is an entry in ClinVar:

ClinVar aggregate classification (germline): Pathogenic. Review status: criteria provided, single submitter (1 of 4 stars). 2 submissions from 2 submitters: Pathogenic (1). 1 of the submissions does not count toward it. Last evaluated 2017-06-07.

Conditions:
Ehlers-Danlos syndrome, classic type, 1 (EDSCL1). Also called: EHLERS-DANLOS SYNDROME, GRAVIS TYPE; EHLERS-DANLOS SYNDROME, SEVERE CLASSIC TYPE; EDS I; Ehlers-Danlos Syndrome, Classic Type, COL5A1-Related; Ehlers-Danlos syndrome, type 1. Identifiers: MedGen C0268335, MONDO:0019567, OMIM 130000.
Osteogenesis imperfecta type I (OI1). Also called: OI, TYPE I; OSTEOGENESIS IMPERFECTA TARDA; OSTEOGENESIS IMPERFECTA WITH BLUE SCLERAE; Classic Non-deforming Osteogenesis Imperfecta with Blue Sclerae; Lobstein disease; Osteogenesis imperfecta type 1. Identifiers: Orphanet 216796, Orphanet 666, MedGen C0023931, MONDO:0008146, OMIM 166200. Disease mechanism: loss of function.
Ehlers-Danlos syndrome, arthrochalasia type, 2. Also called: EHLERS-DANLOS SYNDROME, TYPE VIIB, AUTOSOMAL DOMINANT. Identifiers: MedGen CN293783, MONDO:0040501, OMIM 617821.

Allele frequency attached by ClinVar (database versions not stated): gnomAD 0.00001.
gnomAD v4.1: 1 of 1,587,168 alleles (0.000063%); no homozygotes.

Submissions (2):

Labcorp Genetics (formerly Invitae), Labcorp
Classification: Pathogenic for Osteogenesis imperfecta type I; Ehlers-Danlos syndrome, classic type, 1. Last evaluated: 2017-06-07. Review status: criteria provided, single submitter. Criteria: Invitae Variant Classification Sherloc (09022015). Collection method: clinical testing. Allele origin: germline.
Comment: This variant has been reported in the literature to have arisen de novo in one individual affected with Ehlers-Danlos syndrome (PMID: 2777808). This variant is not present in population databases (ExAC no frequency). This sequence change replaces methionine with isoleucine at codon 93 of the COL1A2 protein (p.Met93Ile). The methionine residue is highly conserved and there is a small physicochemical difference between methionine and isoleucine. This variant also falls at the last nucleotide of exon 6 of the COL1A2 coding sequence, which is part of the consensus splice site for this exon. For these reasons, this variant has been classified as Pathogenic. Nucleotide substitutions within the consensus splice site are relatively common causes of aberrant splicing (PMID: 17576681, 9536098). Experimental studies have shown that this variant causes an aberrant splicing in the mRNA leading to a protein lacking exon 6 in part of the protein products (PMID: 2777808).

OMIM
Classification: Pathogenic for EHLERS-DANLOS SYNDROME, ARTHROCHALASIA TYPE, 2. Last evaluated: 1989-10-05. Review status: no assertion criteria provided. Collection method: literature only. Allele origin: germline. Not counted in ClinVar's aggregate classification.

Literature cited by the submitters: PubMed 2777808 (cited by Labcorp Genetics (formerly Invitae), Labcorp and OMIM); PubMed 17576681 (cited by Labcorp Genetics (formerly Invitae), Labcorp); PubMed 9536098 (cited by Labcorp Genetics (formerly Invitae), Labcorp); PubMed 4742738 (cited by OMIM); Steinmann, B. Personal Communication. 1995. Zurich, Switzerland (cited by OMIM).

NM_000089.4(COL1A2):c.279G>A (p.Met93Ile)

Gene: COL1A2 (collagen type I alpha 2 chain; plus strand). Cytogenetic location: 7q21.3.
Variant type: single nucleotide variant.
Coding change: c.279G>A on transcript NM_000089.4 (MANE Select); coding-DNA position 279, G replaced by A.
Protein change: p.Met93Ile; replaces methionine 93 with isoleucine.
Molecular consequence: missense variant.
Genome position (GRCh38, 1-based): chr7:94,401,620, G>A. VCF-style: chr7-94401620-G-A. GRCh37 (hg19) VCF-style: chr7-94030932-G-A.
Other names: IVS6DS, G-A, -1; c.280G>A-1 (NM_000089.3); short protein forms M93I.
Identifiers: ClinVar variation 456826 (VCV000456826.8), dbSNP rs72656356, ClinGen allele CA162908568.